The following is an entry in ClinVar:

NM_000492.4(CFTR):c.1690A>G (p.Lys564Glu)

Gene: CFTR (CF transmembrane conductance regulator; plus strand). Cytogenetic location: 7q31.2.
Variant type: single nucleotide variant.
Coding change: c.1690A>G on transcript NM_000492.4 (MANE Select); coding-DNA position 1690, A replaced by G.
Protein change: p.Lys564Glu; replaces lysine 564 with glutamic acid.
Molecular consequence: missense variant.
Genome position (GRCh38, 1-based): chr7:117,590,363, A>G. VCF-style: chr7-117590363-A-G. GRCh37 (hg19) VCF-style: chr7-117230417-A-G.
Other names: short protein forms K564E.
Identifiers: ClinVar variation 1778121 (VCV001778121.8), dbSNP rs371291116, ClinGen allele CA4451065.

ClinVar aggregate classification (germline): Uncertain significance. Review status: criteria provided, multiple submitters, no conflicts (2 of 4 stars). 2 submissions from 2 submitters: Uncertain significance (2). Last evaluated 2025-04-25.

Conditions:
Cystic fibrosis (CF). Also called: MUCOVISCIDOSIS. Identifiers: Orphanet 586, MedGen C0010674, MONDO:0009061, OMIM 219700. Disease mechanism: loss of function.

Allele frequency attached by ClinVar (database versions not stated): gnomAD exomes below 0.00001; ExAC 0.00001; ESP Exome Variant Server 0.00008.
gnomAD v4.1: 1 of 1,603,258 alleles (0.000062%); highest among the groups gnomAD compares: Non-Finnish European, 0.000085%; no homozygotes.

Submissions (2):

Ambry Genetics
Classification: Uncertain significance for Cystic fibrosis. Last evaluated: 2025-04-25. Review status: criteria provided, single submitter. Criteria: Ambry Variant Classification Scheme 2023. Collection method: clinical testing. Allele origin: germline.
Comment: The p.K564E variant (also known as c.1690A>G), located in coding exon 13 of the CFTR gene, results from an A to G substitution at nucleotide position 1690. The lysine at codon 564 is replaced by glutamic acid, an amino acid with similar properties. This amino acid position is highly conserved in available vertebrate species. In addition, this alteration is predicted to be deleterious by in silico analysis. Based on the available evidence, the clinical significance of this variant remains unclear.

Labcorp Genetics (formerly Invitae), Labcorp
Classification: Uncertain significance for Cystic fibrosis. Last evaluated: 2024-11-18. Review status: criteria provided, single submitter. Criteria: Invitae Variant Classification Sherloc (09022015). Collection method: clinical testing. Allele origin: germline.
Comment: This sequence change replaces lysine, which is basic and polar, with glutamic acid, which is acidic and polar, at codon 564 of the CFTR protein (p.Lys564Glu). This variant is present in population databases (rs371291116, gnomAD 0.0009%). This missense change has been observed in individual(s) with congenital bilateral absence of the vas deferens (PMID: 30600261). ClinVar contains an entry for this variant (Variation ID: 1778121). Invitae Evidence Modeling of protein sequence and biophysical properties (such as structural, functional, and spatial information, amino acid conservation, physicochemical variation, residue mobility, and thermodynamic stability) indicates that this missense variant is expected to disrupt CFTR protein function with a positive predictive value of 80%. In summary, the available evidence is currently insufficient to determine the role of this variant in disease. Therefore, it has been classified as a Variant of Uncertain Significance.

Literature cited by the submitters: PubMed 30600261 (cited by Labcorp Genetics (formerly Invitae), Labcorp).